The following is an entry in ClinVar:

ClinVar aggregate classification (germline): Likely benign. Review status: criteria provided, multiple submitters, no conflicts (2 of 4 stars). 3 submissions from 3 submitters: Likely benign (2). 1 of the submissions does not count toward it. Last evaluated 2026-01-14.

Conditions:
NEBL-related disorder. Also called: NEBL-related condition.
Primary dilated cardiomyopathy (DCM). Also called: Dilated Cardiomyopathy. Identifiers: Orphanet 217604, MedGen C0007193, MeSH D002311, MONDO:0005021, HP:0001644. Inheritance: Various modes of inheritance.

Allele frequency attached by ClinVar (database versions not stated): ExAC 0.00002; gnomAD exomes 0.00005 and 0.00018; gnomAD 0.00008; TOPMed 0.00013; ESP Exome Variant Server 0.00015.
gnomAD v4.1: 285 of 1,611,646 alleles (0.018%); highest among the groups gnomAD compares: Non-Finnish European, 0.022%; no homozygotes.

Submissions (3):

Labcorp Genetics (formerly Invitae), Labcorp
Classification: Likely benign for Primary dilated cardiomyopathy. Last evaluated: 2026-01-14. Review status: criteria provided, single submitter. Criteria: Invitae Variant Classification Sherloc (09022015). Collection method: clinical testing. Allele origin: germline.

Ambry Genetics
Classification: Likely benign. Last evaluated: 2022-04-03. Review status: criteria provided, single submitter. Criteria: Ambry Variant Classification Scheme 2023. Collection method: clinical testing. Allele origin: germline.

PreventionGenetics, part of Exact Sciences
Classification: Likely benign for NEBL-related condition. Last evaluated: 2019-06-07. Review status: no assertion criteria provided. Collection method: clinical testing. Allele origin: germline. Not counted in ClinVar's aggregate classification.
Comment: This variant is classified as likely benign based on ACMG/AMP sequence variant interpretation guidelines (Richards et al. 2015 PMID: 25741868, with internal and published modifications).

NM_006393.3(NEBL):c.2139C>T (p.Asn713=)

Genes: NEBL (nebulette; minus strand), LOC126860875 (MED14-independent group 3 enhancer GRCh37_chr10:21105746-21106945; plus strand). Cytogenetic location: 10p12.31.
Variant type: single nucleotide variant.
Coding change: c.2139C>T on transcript NM_006393.3 (MANE Select); coding-DNA position 2139, C replaced by T.
Protein change: p.Asn713=; no amino-acid change (asparagine 713 retained).
Molecular consequence: synonymous variant. On other transcripts: intron variant (9).
Genome position (GRCh38, 1-based): chr10:20,817,609, G>A on the plus strand (C>T on the coding strand, the complement: NEBL is on the minus strand). VCF-style: chr10-20817609-G-A. GRCh37 (hg19) VCF-style: chr10-21106538-G-A.
Other names: c.250-4669C>T (NM_001377326.1, NM_001377327.1, NM_001377328.1); c.358-4669C>T (NM_213569.2, NM_001173484.2, NM_001377322.1); c.301-4669C>T (NM_001377324.1); c.292-4669C>T (NM_001377325.1); c.310-4669C>T (NM_001377323.1).
Identifiers: ClinVar variation 698792 (VCV000698792.15), dbSNP rs202147389, ClinGen allele CA5432599.